The following is an entry in ClinVar:

NM_005585.5(SMAD6):c.382C>G (p.Leu128Val)

Gene: SMAD6 (SMAD family member 6; plus strand). Cytogenetic location: 15q22.31.
Variant type: single nucleotide variant.
Coding change: c.382C>G on transcript NM_005585.5 (MANE Select); coding-DNA position 382, C replaced by G.
Protein change: p.Leu128Val; replaces leucine 128 with valine.
Molecular consequence: missense variant. On other transcripts: non-coding transcript variant (1).
Genome position (GRCh38, 1-based): chr15:66,703,640, C>G. VCF-style: chr15-66703640-C-G. GRCh37 (hg19) VCF-style: chr15-66995978-C-G.
Other names: short protein forms L128V.
Identifiers: ClinVar variation 3798825 (VCV003798825.1).

ClinVar aggregate classification (germline): Uncertain significance (1 of 4 stars; one submission).

Conditions:
Inborn genetic diseases. Identifiers: MedGen C0950123, MeSH D030342.

Submission:

Ambry Genetics
Classification: Uncertain significance for Inborn genetic diseases. Last evaluated: 2024-12-31. Review status: criteria provided, single submitter. Criteria: Ambry Variant Classification Scheme 2023. Collection method: clinical testing. Allele origin: germline.
Comment: The p.L128V variant (also known as c.382C>G), located in coding exon 1 of the SMAD6 gene, results from a C to G substitution at nucleotide position 382. The leucine at codon 128 is replaced by valine, an amino acid with highly similar properties. This amino acid position is conserved. In addition, this alteration is predicted to be tolerated by in silico analysis. Based on the available evidence, the clinical significance of this variant remains unclear.